The following is an entry in ClinVar:

NM_014633.5(CTR9):c.2310del (p.Asp771fs)

Gene: CTR9 (CTR9 component of Paf1/RNA polymerase II complex; plus strand). Cytogenetic location: 11p15.4.
Variant type: Deletion.
Coding change: c.2310del on transcript NM_014633.5 (MANE Select); coding-DNA position 2310, one base deleted (A; older notation c.2310delA).
Protein change: p.Asp771fs; shifts the reading frame from aspartic acid 771.
Molecular consequence: frameshift variant.
Genome position (GRCh38, 1-based): chr11:10,770,570, A deleted; the last of 3 consecutive A bases (chr11:10,770,568-10,770,570); deleting any one gives the same sequence. VCF-style (leftmost placement, unchanged base first): chr11-10770567-GA-G. GRCh37 (hg19) VCF-style: chr11-10792114-GA-G.
Other names: c.2310del, p.Asp771fs (NM_001346279.2); short protein forms D771fs.
Identifiers: ClinVar variation 1499169 (VCV001499169.6), dbSNP rs2135378826, ClinGen allele CA2573146103.

ClinVar aggregate classification (germline): Uncertain significance (1 of 4 stars; one submission).

Submission:

Labcorp Genetics (formerly Invitae), Labcorp
Classification: Uncertain significance. Last evaluated: 2024-02-24. Review status: criteria provided, single submitter. Criteria: Invitae Variant Classification Sherloc (09022015). Collection method: clinical testing. Allele origin: germline.
Comment: This sequence change creates a premature translational stop signal (p.Asp771Metfs*6) in the CTR9 gene. It is expected to result in an absent or disrupted protein product. However, the current clinical and genetic evidence is not sufficient to establish whether loss-of-function variants in CTR9 cause disease. This variant is not present in population databases (gnomAD no frequency). This variant has not been reported in the literature in individuals affected with CTR9-related conditions. ClinVar contains an entry for this variant (Variation ID: 1499169). In summary, the available evidence is currently insufficient to determine the role of this variant in disease. Therefore, it has been classified as a Variant of Uncertain Significance.